The following is an entry in ClinVar:

ClinVar aggregate classification (germline): Uncertain significance. Review status: criteria provided, multiple submitters, no conflicts (2 of 4 stars). 9 submissions from 8 submitters: Uncertain significance (8). 1 of the submissions does not count toward it. Last evaluated 2024-11-05.

Conditions:
Meckel syndrome, type 2 (MKS2). Also called: MKS2-Related Meckel Syndrome; MECKEL-GRUBER SYNDROME, TYPE 2. Identifiers: Orphanet 564, MedGen C1864148, MONDO:0011296, OMIM 603194.
Joubert syndrome 2 (JBTS2). Also called: CEREBELLOOCULORENAL SYNDROME 2. Identifiers: Orphanet 2318, MedGen C1842577, MONDO:0011963, OMIM 608091.
Inborn genetic diseases. Identifiers: MedGen C0950123, MeSH D030342.
Joubert syndrome. Also called: Familial aplasia of the vermis; CEREBELLOPARENCHYMAL DISORDER IV; JOUBERT-BOLTSHAUSER SYNDROME. Identifiers: Orphanet 475, MedGen C5979921, MONDO:0018772.

Allele frequency attached by ClinVar (database versions not stated): gnomAD 0.00003 and 0.00004; TOPMed 0.00003; ExAC 0.00006.
gnomAD v4.1: 151 of 1,613,854 alleles (0.0094%); highest among the groups gnomAD compares: Admixed American, 0.035%; no homozygotes.

Submissions (9):

Labcorp Genetics (formerly Invitae), Labcorp
Classification: Uncertain significance for Joubert syndrome. Last evaluated: 2024-11-05. Review status: criteria provided, single submitter. Criteria: Invitae Variant Classification Sherloc (09022015). Collection method: clinical testing. Allele origin: germline.
Comment: This sequence change replaces arginine, which is basic and polar, with histidine, which is basic and polar, at codon 115 of the TMEM216 protein (p.Arg115His). This variant is present in population databases (rs752216307, gnomAD 0.05%). This variant has not been reported in the literature in individuals affected with TMEM216-related conditions. ClinVar contains an entry for this variant (Variation ID: 305079). An algorithm developed to predict the effect of missense changes on protein structure and function (PolyPhen-2) suggests that this variant is likely to be disruptive. In summary, the available evidence is currently insufficient to determine the role of this variant in disease. Therefore, it has been classified as a Variant of Uncertain Significance.

Fulgent Genetics
Classification: Uncertain significance for Meckel syndrome, type 2; Joubert syndrome 2. Last evaluated: 2023-12-21. Review status: criteria provided, single submitter. Criteria: ACMG Guidelines, 2015. Collection method: clinical testing. Allele origin: germline.

GeneDx
Classification: Uncertain significance. Last evaluated: 2022-05-13. Review status: criteria provided, single submitter. Criteria: GeneDx Variant Classification Process June 2021. Collection method: clinical testing. Allele origin: germline. Affected: yes.
Comment: In silico analysis supports that this missense variant has a deleterious effect on protein structure/function; Has not been previously published as pathogenic or benign to our knowledge

Ambry Genetics
Classification: Uncertain significance for Inborn genetic diseases. Last evaluated: 2021-03-17. Review status: criteria provided, single submitter. Criteria: Ambry Variant Classification Scheme 2023. Collection method: clinical testing. Allele origin: germline.
Comment: The c.344G>A (p.R115H) alteration is located in exon 4 (coding exon 4) of the TMEM216 gene. This alteration results from a G to A substitution at nucleotide position 344, causing the arginine (R) at amino acid position 115 to be replaced by a histidine (H). The p.R115H alteration is predicted to be deleterious by in silico analysis. Based on insufficient or conflicting evidence, the clinical significance of this alteration remains unclear.

Women's Health and Genetics/Laboratory Corporation of America, LabCorp
Classification: Uncertain significance. Last evaluated: 2020-11-09. Review status: criteria provided, single submitter. Criteria: LabCorp Variant Classification Summary - May 2015. Collection method: clinical testing. Allele origin: germline.
Comment: Variant summary: TMEM216 c.161G>A (p.Arg54His) results in a non-conservative amino acid change in the encoded protein sequence. Five of five in-silico tools predict a damaging effect of the variant on protein function. The variant allele was found at a frequency of 0.0001 in 249258 control chromosomes (gnomAD). This frequency is not significantly higher than expected for a pathogenic variant in TMEM216 causing Joubert Syndrome 2 (0.0001 vs 0.0039), allowing no conclusion about variant significance. To our knowledge, no occurrence of c.161G>A in individuals affected with Joubert Syndrome 2 and no experimental evidence demonstrating its impact on protein function have been reported. Three clinical diagnostic laboratories have submitted clinical-significance assessments for this variant to ClinVar after 2014 without evidence for independent evaluation. All laboratories classified the variant as uncertain significance. Based on the evidence outlined above, the variant was classified as uncertain significance.

Eurofins Ntd Llc (ga)
Classification: Uncertain significance. Last evaluated: 2018-05-23. Review status: criteria provided, single submitter. Criteria: EGL ClinVar v180209 classification definitions. Collection method: clinical testing. Allele origin: germline. Observed: 1 variant allele, 1 heterozygote.

Illumina Laboratory Services, Illumina
Classification: Uncertain significance for Joubert syndrome 2. Last evaluated: 2018-01-13. Review status: criteria provided, single submitter. Criteria: ICSL Variant Classification Criteria 13 December 2019. Collection method: clinical testing. Allele origin: germline.

Illumina Laboratory Services, Illumina
Classification: Uncertain significance for Meckel syndrome, type 2. Last evaluated: 2018-01-13. Review status: criteria provided, single submitter. Criteria: ICSL Variant Classification Criteria 13 December 2019. Collection method: clinical testing. Allele origin: germline.

Natera, Inc.
Classification: Uncertain significance for Joubert syndrome type 2. Last evaluated: 2020-02-21. Review status: no assertion criteria provided. Collection method: clinical testing. Allele origin: germline. Not counted in ClinVar's aggregate classification.

NM_001173990.3(TMEM216):c.344G>A (p.Arg115His)

Gene: TMEM216 (transmembrane protein 216; plus strand). Cytogenetic location: 11q12.2.
Variant type: single nucleotide variant.
Coding change: c.344G>A on transcript NM_001173990.3 (MANE Select); coding-DNA position 344, G replaced by A.
Protein change: p.Arg115His; replaces arginine 115 with histidine.
Molecular consequence: missense variant.
Genome position (GRCh38, 1-based): chr11:61,397,888, G>A. VCF-style: chr11-61397888-G-A. GRCh37 (hg19) VCF-style: chr11-61165360-G-A.
Other names: c.344G>A, p.Arg115His (NM_001173991.3); c.161G>A, p.Arg54His (NM_001330285.2, NM_016499.6); short protein forms R115H, R54H.
Identifiers: ClinVar variation 305079 (VCV000305079.24), dbSNP rs752216307, ClinGen allele CA6034750.